The following is an entry in ClinVar:

NM_033400.3(ZFHX2):c.3692G>A (p.Arg1231Gln)

Genes: THTPA (thiamine triphosphatase; plus strand), ZFHX2 (zinc finger homeobox 2; minus strand). Cytogenetic location: 14q11.2.
Variant type: single nucleotide variant.
Coding change: c.3692G>A on transcript NM_033400.3 (MANE Select); coding-DNA position 3692, G replaced by A.
Protein change: p.Arg1231Gln; replaces arginine 1231 with glutamine.
Molecular consequence: missense variant.
Genome position (GRCh38, 1-based): chr14:23,526,250, C>T on the plus strand (G>A on the coding strand, the complement: ZFHX2 is on the minus strand). VCF-style: chr14-23526250-C-T. GRCh37 (hg19) VCF-style: chr14-23995459-C-T.
Other names: short protein forms R1231Q.
Identifiers: ClinVar variation 3473109 (VCV003473109.5).
Genomic context (GRCh38, chr14:23,526,250, plus strand): 5'-GTGCACTTAAAGGGCTTGTCTGTGGCAGCAGTGGTGGTGGGTGGGGCACCGGCCTCTCCC[C>T]GTGCAGGGGCAGAGGGGTCAATGGCAGCCTTCTTCATCTTGTGAAGGTGGGAGACAGAAT-3'
Protein context (NP_207646.2, residues 1221-1241): KAAIDPSAPA[Arg1231Gln]GEAGAPPTTT

ClinVar aggregate classification (germline): Conflicting classifications of pathogenicity. Review status: criteria provided, conflicting classifications (1 of 4 stars). 2 submissions from 2 submitters: Uncertain significance (1); Likely benign (1). Last evaluated 2026-02-01.

gnomAD v4.1: 37 of 1,536,148 alleles (0.0024%); highest among the groups gnomAD compares: Admixed American, 0.0098%; no homozygotes.

Submissions (2):

CeGaT Center for Human Genetics Tuebingen
Classification: Likely benign. Last evaluated: 2026-02-01. Review status: criteria provided, single submitter. Criteria: CeGaT Center For Human Genetics Tuebingen Variant Classification Criteria Version 2. Collection method: clinical testing. Allele origin: germline. Affected: yes. Observed: 1 variant allele.
Comment: ZFHX2: BP4

Ambry Genetics
Classification: Uncertain significance. Last evaluated: 2024-08-01. Review status: criteria provided, single submitter. Criteria: Ambry Variant Classification Scheme 2023. Collection method: clinical testing. Allele origin: germline.